The following is an entry in ClinVar:

ClinVar aggregate classification (germline): Uncertain significance (1 of 4 stars; one submission).

Submission:

Ambry Genetics
Classification: Uncertain significance. Last evaluated: 2024-08-12. Review status: criteria provided, single submitter. Criteria: Ambry Variant Classification Scheme 2023. Collection method: clinical testing. Allele origin: germline.
Comment: The p.T417P variant (also known as c.1249A>C), located in coding exon 12 of the RAD54L gene, results from an A to C substitution at nucleotide position 1249. The threonine at codon 417 is replaced by proline, an amino acid with highly similar properties. This amino acid position is conserved. In addition, this alteration is predicted to be deleterious by in silico analysis. Based on the available evidence, the clinical significance of this variant remains unclear.

NM_003579.4(RAD54L):c.1249A>C (p.Thr417Pro)

Gene: RAD54L (RAD54 like; plus strand). Cytogenetic location: 1p34.1.
Variant type: single nucleotide variant.
Coding change: c.1249A>C on transcript NM_003579.4 (MANE Select); coding-DNA position 1249, A replaced by C.
Protein change: p.Thr417Pro; replaces threonine 417 with proline.
Molecular consequence: missense variant.
Genome position (GRCh38, 1-based): chr1:46,272,676, A>C. VCF-style: chr1-46272676-A-C. GRCh37 (hg19) VCF-style: chr1-46738348-A-C.
Other names: c.1249A>C, p.Thr417Pro (NM_001142548.2); c.709A>C, p.Thr237Pro (NM_001370766.1); short protein forms T417P, T237P.
Identifiers: ClinVar variation 3429803 (VCV003429803.1).